The following is an entry in ClinVar:

ClinVar aggregate classification (germline): Pathogenic (1 of 4 stars; one submission).

Submission:

ISCA site 4
Classification: Pathogenic. Last evaluated: 2011-08-12. Review status: criteria provided, single submitter. Criteria: Kaminsky et al. (Genet Med. 2011). Collection method: clinical testing. Allele origin: de novo. Affected: yes. Observed: 1 variant allele.
Comment: Copy number variation identified through the course of routine clinical cytogenomic testing in postnatal populations. Clinical assertions have been curated as described in Kaminsky et al. 2011.

GRCh38/hg38 9q34.3(chr9:137484248-138179445)x1

Genes: MIR602 (microRNA 602; plus strand), MRPL41 (mitochondrial ribosomal protein L41; plus strand), PNPLA7 (patatin like phospholipase domain containing 7; minus strand), ZMYND19 (zinc finger MYND-type containing 19; minus strand), ARRDC1 (arrestin domain containing 1; plus strand) and 46 more. Cytogenetic location: 9q34.3.
Variant type: copy number loss.
Change: copy number 1 (one copy instead of two) of chr9:137,484,248-138,179,445 (695.2 kb, GRCh38 coordinates, 1-based), cytogenetic band 9q34.3.
Identifiers: ClinVar variation 59152 (VCV000059152.1).